The following is an entry in ClinVar:

NM_182931.3(KMT2E):c.3140C>T (p.Ala1047Val)

Gene: KMT2E (lysine methyltransferase 2E (inactive); plus strand). Cytogenetic location: 7q22.3.
Variant type: single nucleotide variant.
Coding change: c.3140C>T on transcript NM_182931.3 (MANE Select); coding-DNA position 3140, C replaced by T.
Protein change: p.Ala1047Val; replaces alanine 1047 with valine.
Molecular consequence: missense variant.
Genome position (GRCh38, 1-based): chr7:105,107,597, C>T. VCF-style: chr7-105107597-C-T. GRCh37 (hg19) VCF-style: chr7-104748044-C-T.
Other names: c.3140C>T, p.Ala1047Val (NM_001410908.1, NM_018682.4); short protein forms A1047V.
Identifiers: ClinVar variation 2421825 (VCV002421825.6), dbSNP rs770189928, ClinGen allele CA368788683.
Genomic context (GRCh38, chr7:105,107,597, plus strand): 5'-TCGATGCAGTTGAGCCAACTGCCCTACATAAAACCCTGGAAACGCCTGCACATGACAGGG[C>T]TGAGCCCAACAGCCAACTGGACTCGACTCACTCTGGACGGGGCACAATGTATTCTTCCTG-3'
Protein context (NP_891847.1, residues 1037-1057): KTLETPAHDR[Ala1047Val]EPNSQLDSTH

ClinVar aggregate classification (germline): Uncertain significance (1 of 4 stars; one submission).

Allele frequency attached by ClinVar (database versions not stated): TOPMed below 0.00001; gnomAD 0.00001.
gnomAD v4.1: 5 of 1,614,018 alleles (0.00031%); highest among the groups gnomAD compares: Non-Finnish European, 0.00042%; no homozygotes.

Submission:

Labcorp Genetics (formerly Invitae), Labcorp
Classification: Uncertain significance. Last evaluated: 2022-09-13. Review status: criteria provided, single submitter. Criteria: Invitae Variant Classification Sherloc (09022015). Collection method: clinical testing. Allele origin: germline.
Comment: In summary, the available evidence is currently insufficient to determine the role of this variant in disease. Therefore, it has been classified as a Variant of Uncertain Significance. Algorithms developed to predict the effect of missense changes on protein structure and function are either unavailable or do not agree on the potential impact of this missense change (SIFT: "Deleterious"; PolyPhen-2: "Benign"; Align-GVGD: "Class C0"). This variant has not been reported in the literature in individuals affected with KMT2E-related conditions. This variant is not present in population databases (gnomAD no frequency). This sequence change replaces alanine, which is neutral and non-polar, with valine, which is neutral and non-polar, at codon 1047 of the KMT2E protein (p.Ala1047Val).